The following is an entry in ClinVar:

ClinVar aggregate classification (germline): Likely benign (1 of 4 stars; one submission).

Allele frequency attached by ClinVar (database versions not stated): ESP Exome Variant Server 0.00146; TOPMed 0.00209; ExAC 0.00274; 1000 Genomes Project 30x 0.00297; 1000 Genomes Project 0.00300; gnomAD 0.00330.

Submission:

CeGaT Center for Human Genetics Tuebingen
Classification: Likely benign. Last evaluated: 2025-02-01. Review status: criteria provided, single submitter. Criteria: CeGaT Center For Human Genetics Tuebingen Variant Classification Criteria Version 2. Collection method: clinical testing. Allele origin: germline. Affected: yes. Observed: 2 variant alleles.
Comment: GYPC: BP4, BS2

NM_002101.5(GYPC):c.60G>A (p.Pro20=)

Gene: GYPC (glycophorin C (Gerbich blood group); plus strand). Cytogenetic location: 2q14.3.
Variant type: single nucleotide variant.
Coding change: c.60G>A on transcript NM_002101.5 (MANE Select); coding-DNA position 60, G replaced by A.
Protein change: p.Pro20=; no amino-acid change (proline 20 retained).
Molecular consequence: synonymous variant. On other transcripts: 5 prime UTR variant (1), intron variant (1).
Genome position (GRCh38, 1-based): chr2:126,690,265, G>A. VCF-style: chr2-126690265-G-A. GRCh37 (hg19) VCF-style: chr2-127447841-G-A.
Other names: c.-4G>A (NM_001256584.2); c.50-3599G>A (NM_016815.4).
Identifiers: ClinVar variation 2651325 (VCV002651325.24), dbSNP rs56070638, ClinGen allele CA1856641.